The following is an entry in ClinVar:

ClinVar aggregate classification (germline): Uncertain significance (1 of 4 stars; one submission).

gnomAD v4.1: 2 of 1,614,230 alleles (0.00012%); highest among the groups gnomAD compares: Non-Finnish European, 0.000085%; no homozygotes.

Submission:

GeneDx
Classification: Uncertain significance. Last evaluated: 2026-07-08. Review status: criteria provided, single submitter. Criteria: GeneDx Variant Classification Process June 2021. Collection method: clinical testing. Allele origin: germline.
Comment: Not observed at significant frequency in large population cohorts (gnomAD); In silico analysis suggests that this missense variant does not alter protein structure/function; Has not been previously published as pathogenic or benign to our knowledge

NM_032590.5(KDM2B):c.910T>C (p.Tyr304His)

Gene: KDM2B (lysine demethylase 2B; minus strand). Cytogenetic location: 12q24.31.
Variant type: single nucleotide variant.
Coding change: c.910T>C on transcript NM_032590.5 (MANE Select); coding-DNA position 910, T replaced by C.
Protein change: p.Tyr304His; replaces tyrosine 304 with histidine.
Molecular consequence: missense variant.
Genome position (GRCh38, 1-based): chr12:121,532,827, A>G on the plus strand (T>C on the coding strand, the complement: KDM2B is on the minus strand). VCF-style: chr12-121532827-A-G. GRCh37 (hg19) VCF-style: chr12-121970732-A-G.
Other names: c.799T>C, p.Tyr267His (NM_001439021.1, NM_001439028.1); c.847T>C, p.Tyr283His (NM_001439022.1, NM_001439023.1, NM_001439029.1); c.817T>C, p.Tyr273His (NM_001439025.1, NM_001439026.1, NM_001005366.2 and 1 more transcripts); c.1006T>C, p.Tyr336His (NM_001439014.1, NM_001439015.1); c.910T>C, p.Tyr304His (NM_001439016.1, NM_001439017.1, NM_001439018.1); short protein forms Y267H, Y273H, Y283H, Y304H, Y336H.
Identifiers: ClinVar variation 4083097 (VCV004083097.2).